The following is an entry in ClinVar:

NM_012082.4(ZFPM2):c.41-4C>A

Gene: ZFPM2 (zinc finger protein, FOG family member 2; plus strand). Cytogenetic location: 8q23.1.
Variant type: single nucleotide variant.
Coding change: c.41-4C>A on transcript NM_012082.4 (MANE Select); 4 bases into the intron before coding-DNA position 41, C replaced by A.
Molecular consequence: intron variant.
Genome position (GRCh38, 1-based): chr8:105,419,140, C>A. VCF-style: chr8-105419140-C-A. GRCh37 (hg19) VCF-style: chr8-106431368-C-A.
Other names: c.41-25140C>A (NM_001362836.2); c.-356-4C>A (NM_001362837.2).
Identifiers: ClinVar variation 544222 (VCV000544222.19), dbSNP rs374926066, ClinGen allele CA4839373.

ClinVar aggregate classification (germline): Benign/Likely benign. Review status: criteria provided, multiple submitters, no conflicts (2 of 4 stars). 2 submissions from 2 submitters: Benign (1); Likely benign (1). Last evaluated 2025-08-01.

Conditions:
46,XY sex reversal 9 (SRXY9). Also called: 46,XY SEX REVERSAL, ZFPM2-RELATED. Identifiers: Orphanet 251510, MedGen C4015129, MONDO:0014480, OMIM 616067.

Allele frequency attached by ClinVar (database versions not stated): ExAC 0.00026; 1000 Genomes Project 0.00080; gnomAD 0.00083 and 0.00091; ESP Exome Variant Server 0.00085; 1000 Genomes Project 30x 0.00094; TOPMed 0.00099.
gnomAD v4.1: 231 of 1,608,126 alleles (0.014%); highest among the groups gnomAD compares: African/African-American, 0.24%; no homozygotes.

Submissions (2):

CeGaT Center for Human Genetics Tuebingen
Classification: Likely benign. Last evaluated: 2025-08-01. Review status: criteria provided, single submitter. Criteria: CeGaT Center For Human Genetics Tuebingen Variant Classification Criteria Version 2. Collection method: clinical testing. Allele origin: germline. Affected: yes. Observed: 1 variant allele.
Comment: ZFPM2: BP4, BS1

Labcorp Genetics (formerly Invitae), Labcorp
Classification: Benign for 46,XY sex reversal 9. Last evaluated: 2023-06-27. Review status: criteria provided, single submitter. Criteria: Invitae Variant Classification Sherloc (09022015). Collection method: clinical testing. Allele origin: germline.